The following is an entry in ClinVar:

NM_015466.4(PTPN23):c.4045C>T (p.His1349Tyr)

Gene: PTPN23 (protein tyrosine phosphatase non-receptor type 23; plus strand). Cytogenetic location: 3p21.31.
Variant type: single nucleotide variant.
Coding change: c.4045C>T on transcript NM_015466.4 (MANE Select); coding-DNA position 4045, C replaced by T.
Protein change: p.His1349Tyr; replaces histidine 1349 with tyrosine.
Molecular consequence: missense variant.
Genome position (GRCh38, 1-based): chr3:47,411,939, C>T. VCF-style: chr3-47411939-C-T. GRCh37 (hg19) VCF-style: chr3-47453429-C-T.
Other names: c.3667C>T, p.His1223Tyr (NM_001304482.2); short protein forms H1223Y, H1349Y.
Identifiers: ClinVar variation 1413733 (VCV001413733.8), dbSNP rs1254523836, ClinGen allele CA352565051.

ClinVar aggregate classification (germline): Uncertain significance (1 of 4 stars; one submission).

Allele frequency attached by ClinVar (database versions not stated): gnomAD exomes below 0.00001.
gnomAD v4.1: 1 of 1,612,596 alleles (0.000062%); highest among the groups gnomAD compares: South Asian, 0.0011%; no homozygotes.

Submission:

Labcorp Genetics (formerly Invitae), Labcorp
Classification: Uncertain significance. Last evaluated: 2022-11-22. Review status: criteria provided, single submitter. Criteria: Invitae Variant Classification Sherloc (09022015). Collection method: clinical testing. Allele origin: germline.
Comment: In summary, the available evidence is currently insufficient to determine the role of this variant in disease. Therefore, it has been classified as a Variant of Uncertain Significance. Algorithms developed to predict the effect of missense changes on protein structure and function are either unavailable or do not agree on the potential impact of this missense change (SIFT: "Tolerated"; PolyPhen-2: "Probably Damaging"; Align-GVGD: "Class C0"). ClinVar contains an entry for this variant (Variation ID: 1413733). This variant has not been reported in the literature in individuals affected with PTPN23-related conditions. The frequency data for this variant in the population databases is considered unreliable, as metrics indicate poor data quality at this position in the gnomAD database. This sequence change replaces histidine, which is basic and polar, with tyrosine, which is neutral and polar, at codon 1349 of the PTPN23 protein (p.His1349Tyr).